The following is an entry in ClinVar:

ClinVar aggregate classification (germline): Likely benign (1 of 4 stars; one submission).

Conditions:
LRRC45-related disorder. Also called: LRRC45-related condition.

gnomAD v4.1: 2 of 1,549,890 alleles (0.00013%); highest among the groups gnomAD compares: Admixed American, 0.002%; no homozygotes.

Submission:

PreventionGenetics, part of Exact Sciences
Classification: Likely benign for LRRC45-related condition. Last evaluated: 2026-08-12. Review status: criteria provided, single submitter. Criteria: ACMG Guidelines, 2015. Collection method: clinical testing. Allele origin: germline.
Comment: This variant is classified as likely benign based on ACMG/AMP sequence variant interpretation guidelines (Richards et al. 2015 PMID: 25741868, with internal and published modifications).

NM_144999.4(LRRC45):c.1719C>T (p.Arg573=)

Gene: LRRC45 (leucine rich repeat containing 45; plus strand). Cytogenetic location: 17q25.3.
Variant type: single nucleotide variant.
Coding change: c.1719C>T on transcript NM_144999.4 (MANE Select); coding-DNA position 1719, C replaced by T.
Protein change: p.Arg573=; no amino-acid change (arginine 573 retained).
Molecular consequence: synonymous variant.
Genome position (GRCh38, 1-based): chr17:82,030,369, C>T. VCF-style: chr17-82030369-C-T. GRCh37 (hg19) VCF-style: chr17-79988245-C-T.
Identifiers: ClinVar variation 4979381 (VCV004979381.1).